The following is an entry in ClinVar:

NM_000256.3(MYBPC3):c.3247G>A (p.Ala1083Thr)

Gene: MYBPC3 (myosin binding protein C3; minus strand). Cytogenetic location: 11p11.2.
Variant type: single nucleotide variant.
Coding change: c.3247G>A on transcript NM_000256.3 (MANE Select); coding-DNA position 3247, G replaced by A.
Protein change: p.Ala1083Thr; replaces alanine 1083 with threonine.
Molecular consequence: missense variant.
Genome position (GRCh38, 1-based): chr11:47,333,277, C>T on the plus strand (G>A on the coding strand, the complement: MYBPC3 is on the minus strand). VCF-style: chr11-47333277-C-T. GRCh37 (hg19) VCF-style: chr11-47354828-C-T.
Other names: short protein forms A1083T.
Identifiers: ClinVar variation 1505625 (VCV001505625.9), dbSNP rs2095879072, ClinGen allele CA380314328.

ClinVar aggregate classification (germline): Uncertain significance. Review status: criteria provided, multiple submitters, no conflicts (2 of 4 stars). 2 submissions from 2 submitters: Uncertain significance (2). Last evaluated 2024-04-30.

Conditions:
Hypertrophic cardiomyopathy. Also called: HYPERTROPHIC MYOCARDIOPATHY. Identifiers: Orphanet 217569, MedGen C0007194, MeSH D002312, MONDO:0005045, HP:0001639.

Submissions (2):

GeneDx
Classification: Uncertain significance. Last evaluated: 2024-04-30. Review status: criteria provided, single submitter. Criteria: GeneDx Variant Classification Process June 2021. Collection method: clinical testing. Allele origin: germline. Affected: yes.
Comment: Not observed at significant frequency in large population cohorts (gnomAD); In silico analysis supports that this missense variant has a deleterious effect on protein structure/function; Has not been previously published as pathogenic or benign to our knowledge

Labcorp Genetics (formerly Invitae), Labcorp
Classification: Uncertain significance for Hypertrophic cardiomyopathy. Last evaluated: 2022-02-05. Review status: criteria provided, single submitter. Criteria: Invitae Variant Classification Sherloc (09022015). Collection method: clinical testing. Allele origin: germline.
Comment: This sequence change replaces alanine, which is neutral and non-polar, with threonine, which is neutral and polar, at codon 1083 of the MYBPC3 protein (p.Ala1083Thr). This variant is not present in population databases (gnomAD no frequency). In summary, the available evidence is currently insufficient to determine the role of this variant in disease. Therefore, it has been classified as a Variant of Uncertain Significance. Algorithms developed to predict the effect of missense changes on protein structure and function (SIFT, PolyPhen-2, Align-GVGD) all suggest that this variant is likely to be disruptive. This variant has not been reported in the literature in individuals affected with MYBPC3-related conditions.